The following is an entry in ClinVar:

ClinVar aggregate classification (germline): Likely pathogenic (1 of 4 stars; one submission).

Conditions:
Idiopathic generalized epilepsy. Also called: Generalised epilepsy; EIG. Identifiers: MedGen C0270850, MONDO:0005579, OMIM 600669.
Epilepsy, childhood absence 4 (ECA4). Also called: EPILEPSY, CHILDHOOD ABSENCE, SUSCEPTIBILITY TO, 4. Identifiers: Orphanet 307, MedGen C1970160.
Epilepsy, idiopathic generalized, susceptibility to, 13. Also called: EPILEPSY, JUVENILE MYOCLONIC, SUSCEPTIBILITY TO, 5. Identifiers: Orphanet 307, Orphanet 64280, MedGen C4013473, MONDO:0012627, OMIM 611136.

Allele frequency attached by ClinVar (database versions not stated): gnomAD exomes below 0.00001.
gnomAD v4.1: 1 of 1,614,096 alleles (0.000062%); highest among the groups gnomAD compares: Non-Finnish European, 0.000085%; no homozygotes.

Submission:

Labcorp Genetics (formerly Invitae), Labcorp
Classification: Likely pathogenic for Epilepsy, childhood absence 4; Epilepsy, idiopathic generalized, susceptibility to, 13; Idiopathic generalized epilepsy. Last evaluated: 2022-11-22. Review status: criteria provided, single submitter. Criteria: Invitae Variant Classification Sherloc (09022015). Collection method: clinical testing. Allele origin: germline.
Comment: In summary, the currently available evidence indicates that the variant is pathogenic, but additional data are needed to prove that conclusively. Therefore, this variant has been classified as Likely Pathogenic. Advanced modeling of protein sequence and biophysical properties (such as structural, functional, and spatial information, amino acid conservation, physicochemical variation, residue mobility, and thermodynamic stability) performed at Invitae indicates that this missense variant is not expected to disrupt GABRA1 protein function. ClinVar contains an entry for this variant (Variation ID: 1510625). This missense change has been observed in individual(s) with clinical features of developmental and epileptic encephalopathy (Invitae). In at least one individual the variant was observed to be de novo. This variant is not present in population databases (gnomAD no frequency). This sequence change replaces arginine, which is basic and polar, with lysine, which is basic and polar, at codon 2 of the GABRA1 protein (p.Arg2Lys).

NM_001127644.2(GABRA1):c.5G>A (p.Arg2Lys)

Gene: GABRA1 (gamma-aminobutyric acid type A receptor subunit alpha1; plus strand). Cytogenetic location: 5q34.
Variant type: single nucleotide variant.
Coding change: c.5G>A on transcript NM_001127644.2 (MANE Select); coding-DNA position 5, G replaced by A.
Protein change: p.Arg2Lys; replaces arginine 2 with lysine.
Molecular consequence: missense variant.
Genome position (GRCh38, 1-based): chr5:161,850,815, G>A. VCF-style: chr5-161850815-G-A. GRCh37 (hg19) VCF-style: chr5-161277821-G-A.
Other names: c.5G>A, p.Arg2Lys (NM_000806.5, NM_001127643.2, NM_001127645.2 and 1 more transcripts); short protein forms R2K.
Identifiers: ClinVar variation 1510625 (VCV001510625.6), dbSNP rs2113293570, ClinGen allele CA362180968.
Genomic context (GRCh38, chr5:161,850,815, plus strand): 5'-TCTTGCTAGAGACATTGATCTCTACTTATTCTACTTTTCAGCTGCTCCAGCCCGCGATGA[G>A]GAAAAGTCCAGGTCTGTCTGACTGTCTTTGGGCCTGGATCCTCCTTCTGAGCACACTGAC-3'
Protein context (NP_001121116.1, residues 1-12): M[Arg2Lys]KSPGLSDCLW